The following is an entry in ClinVar:

NM_021930.6(RINT1):c.278T>G (p.Leu93Arg)

Gene: RINT1 (RAD50 interactor 1; plus strand). Cytogenetic location: 7q22.3.
Variant type: single nucleotide variant.
Coding change: c.278T>G on transcript NM_021930.6 (MANE Select); coding-DNA position 278, T replaced by G.
Protein change: p.Leu93Arg; replaces leucine 93 with arginine.
Molecular consequence: missense variant. On other transcripts: 5 prime UTR variant (3), non-coding transcript variant (1).
Genome position (GRCh38, 1-based): chr7:105,542,412, T>G. VCF-style: chr7-105542412-T-G. GRCh37 (hg19) VCF-style: chr7-105182859-T-G.
Other names: c.44T>G, p.Leu15Arg (NM_001346599.2); c.-742T>G (NM_001346600.2); c.-645T>G (NM_001346601.2); c.-265T>G (NM_001346603.2); short protein forms L15R, L93R.
Identifiers: ClinVar variation 3227650 (VCV003227650.1), dbSNP rs2485112239, ClinGen allele CA368802719.
Genomic context (GRCh38, chr7:105,542,412, plus strand): 5'-AATTTTATCTGATTGCTGCTGTTCTTTCTTTCTTTCTTTTTTAAAATTATGGTCAGGTAC[T>G]TACAATTTCATCAGAAATTCCTAAAAGAATTCGAAGTGCCTTAAAAAATGCAGAAGAATC-3'
Protein context (NP_068749.3, residues 83-103): VSKMQLEEQV[Leu93Arg]TISSEIPKRI

ClinVar aggregate classification (germline): Uncertain significance (1 of 4 stars; one submission).

Submission:

Ambry Genetics
Classification: Uncertain significance. Last evaluated: 2023-11-16. Review status: criteria provided, single submitter. Criteria: Ambry Variant Classification Scheme 2023. Collection method: clinical testing. Allele origin: germline.
Comment: The p.L93R variant (also known as c.278T>G), located in coding exon 4 of the RINT1 gene, results from a T to G substitution at nucleotide position 278. The leucine at codon 93 is replaced by arginine, an amino acid with dissimilar properties. This amino acid position is conserved. In addition, this alteration is predicted to be tolerated by in silico analysis. Since supporting evidence is limited at this time, the clinical significance of this alteration remains unclear.